The following is an entry in ClinVar:

ClinVar aggregate classification (germline): Pathogenic (1 of 4 stars; one submission).

Conditions:
Familial multiple polyposis syndrome (FAP). Also called: Familial polyposis; Familial Adenomatous Polyposis (FAP); Classic familial adenomatous polyposis; Familial adenomatous polyposis; Familial intestinal polyposis. Identifiers: Orphanet 733, MedGen C0032580, MONDO:0021055. Disease mechanism: loss of function.

Submission:

Women's Health and Genetics/Laboratory Corporation of America, LabCorp
Classification: Pathogenic for Familial multiple polyposis syndrome. Last evaluated: 2025-07-18. Review status: criteria provided, single submitter. Criteria: LabCorp Variant Classification Summary - May 2015. Collection method: clinical testing. Allele origin: germline.
Comment: Variant summary: APC c.947_948dupAT (p.Ser317IlefsX20) results in a premature termination codon, predicted to cause a truncation of the encoded protein or absence of the protein due to nonsense mediated decay, which are commonly known mechanisms for disease. The variant was absent in 251046 control chromosomes. To our knowledge, no occurrence of c.947_948dupAT in individuals affected with Familial Adenomatous Polyposis and no experimental evidence demonstrating its impact on protein function have been reported. No submitters have cited clinical-significance assessments for this variant to ClinVar. Based on the evidence outlined above, the variant was classified as pathogenic.

NM_000038.6(APC):c.947_948dup (p.Ser317fs)

Gene: APC (APC regulator of Wnt signaling pathway; plus strand). Cytogenetic location: 5q22.2.
Variant type: Duplication.
Coding change: c.947_948dup on transcript NM_000038.6 (MANE Select); coding-DNA positions 947 to 948, 2 bases duplicated (AT; older notation c.947_948dupAT).
Protein change: p.Ser317fs; shifts the reading frame from serine 317.
Molecular consequence: frameshift variant. On other transcripts: non-coding transcript variant (2), intron variant (15).
Genome position (GRCh38, 1-based): chr5:112,818,979-112,818,980, AT duplicated; duplicating any 2 consecutive bases within chr5:112,818,978-112,818,980 gives the same sequence; the c. name uses the placement nearest the transcript's 3' end. VCF-style (leftmost placement, unchanged base first): chr5-112818977-G-GTA. GRCh37 (hg19) VCF-style: chr5-112154674-G-GTA.
Other names: c.947_948dupAT (NM_000038.6); c.947_948dup, p.Ser317fs (NM_001127510.3, NM_001354895.2, NM_001354896.2 and 4 more transcripts); c.893_894dup, p.Ser299fs (NM_001127511.3); c.977_978dup, p.Ser327fs (NM_001354897.2, NM_001407446.1); c.872_873dup, p.Ser292fs (NM_001354898.2, NM_001407451.1); c.863_864dup, p.Ser289fs (NM_001354899.2, NM_001407452.1); c.770_771dup, p.Ser258fs (NM_001354900.2, NM_001354901.2, NM_001407453.1); c.98_99dup, p.Ser34fs (NM_001354906.2, NM_001407470.1); and 6 more; short protein forms S292fs, S258fs, S299fs, S317fs, S289fs, S327fs, S34fs.
Identifiers: ClinVar variation 4525789 (VCV004525789.1).